The following is an entry in ClinVar:

NM_032043.3(BRIP1):c.2158_2160del (p.Val720del)

Gene: BRIP1 (BRCA1 interacting DNA helicase 1; minus strand). Cytogenetic location: 17q23.2.
Variant type: Deletion.
Coding change: c.2158_2160del on transcript NM_032043.3 (MANE Select); coding-DNA positions 2158 to 2160, 3 bases deleted (GTG; older notation c.2158_2160delGTG).
Protein change: p.Val720del; deletes valine 720.
Molecular consequence: inframe deletion.
Genome position (GRCh38, 1-based): chr17:61,744,529-61,744,531, CAC deleted on the plus strand (GTG on the coding strand, the reverse complement: BRIP1 is on the minus strand); deleting any 3 consecutive bases within chr17:61,744,529-61,744,533 gives the same sequence; the c. name uses the placement nearest the transcript's 3' end. VCF-style (leftmost placement, unchanged base first): chr17-61744528-TCAC-T. GRCh37 (hg19) VCF-style: chr17-59821889-TCAC-T.
Other names: c.2158_2160delGTG (NM_032043.2); short protein forms V720del.
Identifiers: ClinVar variation 241639 (VCV000241639.13), dbSNP rs878855146, ClinGen allele CA10583624.
Genomic context (GRCh38, chr17:61,744,528, plus strand): 5'-CCTGCAGTAATTCATCAAAATTTGTTTTTTCTCCTCCCTGTGGTTCTACAATGACTGTCT[TCAC>T]CAACTCCAGATTATGCCATAAACCAGTAGAGAGCCAACGTTCTTTTAATTTTTCTAATAA-3'

ClinVar aggregate classification (germline): Uncertain significance. Review status: criteria provided, multiple submitters, no conflicts (2 of 4 stars). 2 submissions from 2 submitters: Uncertain significance (2). Last evaluated 2024-12-10.

Conditions:
Familial cancer of breast. Also called: BREAST CANCER, FAMILIAL; Hereditary breast cancer; hereditary breast carcinoma. Identifiers: Orphanet 227535, MedGen C0346153, MONDO:0016419, OMIM 114480. Disease mechanism: loss of function.
Fanconi anemia complementation group J. Also called: BRIP1-Related Fanconi Anemia. Identifiers: Orphanet 84, MedGen C1836860, MONDO:0012187, OMIM 609054.
Hereditary cancer-predisposing syndrome. Also called: Neoplastic Syndromes, Hereditary; Tumor predisposition; Hereditary neoplastic syndrome; Hereditary Cancer Syndrome. Identifiers: Orphanet 140162, MedGen C0027672, MeSH D009386, MONDO:0015356.

Submissions (2):

Ambry Genetics
Classification: Uncertain significance for Hereditary cancer-predisposing syndrome. Last evaluated: 2024-12-10. Review status: criteria provided, single submitter. Criteria: Ambry Variant Classification Scheme 2023. Collection method: clinical testing. Allele origin: germline.
Comment: The c.2158_2160delGTG variant (also known as p.V720del) is located in coding exon 14 of the BRIP1 gene. This variant results from an in-frame GTG deletion at nucleotide positions 2158 to 2160. This results in the in-frame deletion of a valine at codon 720. This amino acid position is well conserved in available vertebrate species. In addition, this alteration is predicted to be deleterious by in silico analysis (Choi Y et al. PLoS ONE. 2012; 7(10):e46688). Based on the available evidence, the clinical significance of this variant remains unclear.

Labcorp Genetics (formerly Invitae), Labcorp
Classification: Uncertain significance for Familial cancer of breast; Fanconi anemia complementation group J. Last evaluated: 2016-02-18. Review status: criteria provided, single submitter. Criteria: Invitae Variant Classification Sherloc (09022015). Collection method: clinical testing. Allele origin: germline.
Comment: In summary, this is a novel variant with uncertain impact on protein function. It has been classified as a Variant of Uncertain Significance. This variant is not present in population databases (ExAC no frequency) and has not been reported in the literature in individuals with a BRIP1-related disease. This sequence change deletes 3 nucleotides from exon 15 of the BRIP1 mRNA (c.2158_2160delGTG). This leads to the deletion of 1 amino acid residue(s) in the BRIP1 protein (p.Val720del) but otherwise preserves the integrity of the reading frame.